The following is an entry in ClinVar:

ClinVar aggregate classification (germline): Uncertain significance (1 of 4 stars; one submission).

Conditions:
Melnick-Fraser syndrome (BOR). Also called: Branchiootorenal syndrome; Branchio-oto-renal syndrome; Branchiootorenal Syndrome (BORS). Identifiers: Orphanet 107, MedGen C0265234, MONDO:0007029.

gnomAD v4.1: 2 of 1,613,246 alleles (0.00012%); highest among the groups gnomAD compares: Non-Finnish European, 0.00017%; no homozygotes.

Submission:

Labcorp Genetics (formerly Invitae), Labcorp
Classification: Uncertain significance for Melnick-Fraser syndrome. Last evaluated: 2025-06-05. Review status: criteria provided, single submitter. Criteria: Invitae Variant Classification Sherloc (09022015). Collection method: clinical testing. Allele origin: germline.
Comment: This sequence change falls in intron 13 of the EYA1 gene. It does not directly change the encoded amino acid sequence of the EYA1 protein. It affects a nucleotide within the consensus splice site. This variant is not present in population databases (gnomAD no frequency). This variant has not been reported in the literature in individuals affected with EYA1-related conditions. Experimental studies and prediction algorithms are not available or were not evaluated, and the functional significance of this variant is currently unknown. Variants that disrupt the consensus splice site are a relatively common cause of aberrant splicing (PMID: 17576681, 9536098). Algorithms developed to predict the effect of sequence changes on RNA splicing suggest that this variant is not likely to affect RNA splicing. In summary, the available evidence is currently insufficient to determine the role of this variant in disease. Therefore, it has been classified as a Variant of Uncertain Significance.

Literature cited by the submitters: PubMed 17576681; PubMed 9536098.

NM_000503.6(EYA1):c.1199+3G>A

Gene: EYA1 (EYA transcriptional coactivator and phosphatase 1; minus strand). Cytogenetic location: 8q13.3.
Variant type: single nucleotide variant.
Coding change: c.1199+3G>A on transcript NM_000503.6 (MANE Select); 3 bases into the intron after coding-DNA position 1199, G replaced by A.
Molecular consequence: intron variant.
Genome position (GRCh38, 1-based): chr8:71,216,962, C>T on the plus strand (G>A on the coding strand, the complement: EYA1 is on the minus strand). VCF-style: chr8-71216962-C-T. GRCh37 (hg19) VCF-style: chr8-72129197-C-T.
Other names: c.1178+3G>A (NM_001370336.1); c.1286+3G>A (NM_001370333.1); c.1199+3G>A (NM_001370335.1, NM_001370334.1, NM_172058.4); c.1181+3G>A (NM_172059.5, NM_001288574.2); c.1100+3G>A (NM_001411797.1, NM_172060.4); c.833+3G>A (NM_001288575.2).
Identifiers: ClinVar variation 4775462 (VCV004775462.1).